The following is an entry in ClinVar:

ClinVar aggregate classification (germline): Uncertain significance (1 of 4 stars; one submission).

Conditions:
Myofibrillar myopathy 5. Also called: FILAMINOPATHY, AUTOSOMAL DOMINANT; Filaminopathy (type). Identifiers: Orphanet 171445, MedGen C1836050, MONDO:0012289, OMIM 609524.
Distal myopathy with posterior leg and anterior hand involvement. Also called: WILLIAMS DISTAL MYOPATHY. Identifiers: Orphanet 63273, MedGen C3279722, MONDO:0013550, OMIM 614065.
Hypertrophic cardiomyopathy 26. Also called: Cardiomyopathy, familial hypertrophic, 26. Identifiers: Orphanet 75249, MedGen C4310749, MONDO:0014883, OMIM 617047.

Allele frequency attached by ClinVar (database versions not stated): gnomAD exomes below 0.00001; ExAC 0.00001.

Submission:

Labcorp Genetics (formerly Invitae), Labcorp
Classification: Uncertain significance for Distal myopathy with posterior leg and anterior hand involvement; Myofibrillar myopathy 5; Hypertrophic cardiomyopathy 26. Last evaluated: 2020-04-08. Review status: criteria provided, single submitter. Criteria: Invitae Variant Classification Sherloc (09022015). Collection method: clinical testing. Allele origin: germline.
Comment: This sequence change replaces glutamic acid with glycine at codon 1191 of the FLNC protein (p.Glu1191Gly). The glutamic acid residue is moderately conserved and there is a moderate physicochemical difference between glutamic acid and glycine. This variant is present in population databases (rs772055432, ExAC 0.002%). This variant has not been reported in the literature in individuals with FLNC-related conditions. Algorithms developed to predict the effect of missense changes on protein structure and function are either unavailable or do not agree on the potential impact of this missense change (SIFT: "Deleterious"; PolyPhen-2: "Probably Damaging"; Align-GVGD: "Class C0"). In summary, the available evidence is currently insufficient to determine the role of this variant in disease. Therefore, it has been classified as a Variant of Uncertain Significance.

NM_001458.5(FLNC):c.3572A>G (p.Glu1191Gly)

Gene: FLNC (filamin C; plus strand). Cytogenetic location: 7q32.1.
Variant type: single nucleotide variant.
Coding change: c.3572A>G on transcript NM_001458.5 (MANE Select); coding-DNA position 3572, A replaced by G.
Protein change: p.Glu1191Gly; replaces glutamic acid 1191 with glycine.
Molecular consequence: missense variant.
Genome position (GRCh38, 1-based): chr7:128,845,037, A>G. VCF-style: chr7-128845037-A-G. GRCh37 (hg19) VCF-style: chr7-128485091-A-G.
Other names: c.3572A>G, p.Glu1191Gly (NM_001127487.2); short protein forms E1191G.
Identifiers: ClinVar variation 1042186 (VCV001042186.9), dbSNP rs772055432, ClinGen allele CA4475070.